The following is an entry in ClinVar:

ClinVar aggregate classification (germline): Uncertain significance. Review status: criteria provided, multiple submitters, no conflicts (2 of 4 stars). 2 submissions from 2 submitters: Uncertain significance (2). Last evaluated 2026-09-24.

Conditions:
Inborn genetic diseases. Identifiers: MedGen C0950123, MeSH D030342.
SPTBN2-related disorder. Also called: SPTBN2-related condition.

Allele frequency attached by ClinVar (database versions not stated): gnomAD 0.00003; TOPMed 0.00003; ExAC 0.00004; gnomAD exomes 0.00005; ESP Exome Variant Server 0.00008.
gnomAD v4.1: 82 of 1,600,100 alleles (0.0051%); highest among the groups gnomAD compares: Non-Finnish European, 0.0062%; no homozygotes.

Submissions (2):

PreventionGenetics, part of Exact Sciences
Classification: Uncertain significance for SPTBN2-related condition. Last evaluated: 2026-09-24. Review status: criteria provided, single submitter. Criteria: ACMG Guidelines, 2015. Collection method: clinical testing. Allele origin: germline.
Comment: The SPTBN2 c.3215G>A variant is predicted to result in the amino acid substitution p.Arg1072His. To our knowledge, this variant has not been reported in the literature. This variant is reported in 0.0055% of alleles in individuals of East Asian descent in gnomAD. At this time, the clinical significance of this variant is uncertain due to the absence of conclusive functional and genetic evidence.

Ambry Genetics
Classification: Uncertain significance for Inborn genetic diseases. Last evaluated: 2024-01-31. Review status: criteria provided, single submitter. Criteria: Ambry Variant Classification Scheme 2023. Collection method: clinical testing. Allele origin: germline.

NM_006946.4(SPTBN2):c.3215G>A (p.Arg1072His)

Gene: SPTBN2 (spectrin beta, non-erythrocytic 2; minus strand). Cytogenetic location: 11q13.2.
Variant type: single nucleotide variant.
Coding change: c.3215G>A on transcript NM_006946.4 (MANE Select); coding-DNA position 3215, G replaced by A.
Protein change: p.Arg1072His; replaces arginine 1072 with histidine.
Molecular consequence: missense variant.
Genome position (GRCh38, 1-based): chr11:66,700,884, C>T on the plus strand (G>A on the coding strand, the complement: SPTBN2 is on the minus strand). VCF-style: chr11-66700884-C-T. GRCh37 (hg19) VCF-style: chr11-66468355-C-T.
Other names: c.3236G>A, p.Arg1079His (NM_001411025.1); short protein forms R1072H, R1079H.
Identifiers: ClinVar variation 3169566 (VCV003169566.2), dbSNP rs147677439, ClinGen allele CA6128905.